The following is an entry in ClinVar:

ClinVar aggregate classification (germline): Benign. Review status: criteria provided, multiple submitters, no conflicts (2 of 4 stars). 8 submissions from 8 submitters: Benign (7). 1 of the submissions does not count toward it. Last evaluated 2026-02-03.

Conditions:
Finnish type amyloidosis. Also called: Lattice corneal dystrophy associated with familial systemic amyloidosis; Meretoja's syndrome; Lattice dystrophy of the cornea with hereditary generalized amyloidosis; Amyloidosis, familial, Finnish type; Meretoja type amyloidosis; Amyloidosis 5. Identifiers: Orphanet 85448, MedGen C1622345, MONDO:0007097, OMIM 105120.
GSN-related disorder. Also called: GSN-related condition.

Allele frequency attached by ClinVar (database versions not stated): gnomAD exomes 0.04523 and 0.06096; ESP Exome Variant Server 0.05321; gnomAD 0.05790 and 0.05941; TOPMed 0.05894; ExAC 0.06252; 1000 Genomes Project 30x 0.08510; 1000 Genomes Project 0.08546.
gnomAD v4.1: 76,264 of 1,613,398 alleles (4.7%); highest among the groups gnomAD compares: East Asian, 15%; 2,555 homozygotes.

Submissions (26):

Labcorp Genetics (formerly Invitae), Labcorp
Classification: Benign. Last evaluated: 2026-02-03. Review status: criteria provided, single submitter. Criteria: Invitae Variant Classification Sherloc (09022015). Collection method: clinical testing. Allele origin: germline.

Blueprint Genetics
Classification: Benign. Last evaluated: 2024-11-27. Review status: criteria provided, single submitter. Criteria: ACMG Guidelines, 2015. Collection method: clinical testing. Allele origin: germline.

Mayo Clinic Laboratories, Mayo Clinic
Classification: Benign. Last evaluated: 2022-03-09. Review status: criteria provided, single submitter. Criteria: ACMG Guidelines, 2015. Collection method: clinical testing. Allele origin: germline. Observed: 125 variant alleles.

Genome-Nilou Lab
Classification: Benign for Finnish type amyloidosis. Last evaluated: 2021-08-10. Review status: criteria provided, single submitter. Criteria: ACMG Guidelines, 2015. Collection method: clinical testing. Allele origin: germline. Affected: no.

GeneDx
Classification: Benign. Last evaluated: 2021-05-04. Review status: criteria provided, single submitter. Criteria: GeneDx Variant Classification Process June 2021. Collection method: clinical testing. Allele origin: germline. Affected: yes.

Illumina Laboratory Services, Illumina
Classification: Benign for Finnish type amyloidosis. Last evaluated: 2018-01-12. Review status: criteria provided, single submitter. Criteria: ICSL Variant Classification Criteria 13 December 2019. Collection method: clinical testing. Allele origin: germline.
Comment: This variant was observed in the ICSL laboratory as part of a predisposition screen in an ostensibly healthy population. It had not been previously curated by ICSL or reported in the Human Gene Mutation Database (HGMD: prior to June 1st, 2018), and was therefore a candidate for classification through an automated scoring system. Utilizing variant allele frequency, disease prevalence and penetrance estimates, and inheritance mode, an automated score was calculated to assess if this variant is too frequent to cause the disease. Based on the score and internal cut-off values, a variant classified as benign is not then subjected to further curation. The score for this variant resulted in a classification of benign for this disease.

Breakthrough Genomics
Classification: Benign. Review status: criteria provided, single submitter. Criteria: ACMG Guidelines, 2015. Collection method: not provided. Allele origin: germline. Inheritance: Autosomal dominant inheritance. Affected: yes.

PreventionGenetics, part of Exact Sciences
Classification: Benign for GSN-related condition. Last evaluated: 2019-07-15. Review status: no assertion criteria provided. Collection method: clinical testing. Allele origin: germline. Not counted in ClinVar's aggregate classification.
Comment: This variant is classified as benign based on ACMG/AMP sequence variant interpretation guidelines (Richards et al. 2015 PMID: 25741868, with internal and published modifications).

Dr. Peter K. Rogan Lab, Western University
No classification provided (evidence only). Condition: Acute myeloid leukemia. Review status: no classification provided. Collection method: in vitro. Allele origin: not applicable. Functional consequence: skipped exon. Not counted in ClinVar's aggregate classification.

Dr. Peter K. Rogan Lab, Western University
No classification provided (evidence only). Condition: Acute myeloid leukemia. Review status: no classification provided. Collection method: in vitro. Allele origin: not applicable. Functional consequence: retained intron. Not counted in ClinVar's aggregate classification.

Dr. Peter K. Rogan Lab, Western University
No classification provided (evidence only). Condition: Acute myeloid leukemia. Review status: no classification provided. Collection method: in vitro. Allele origin: not applicable. Functional consequence: retained intron. Not counted in ClinVar's aggregate classification.

Dr. Peter K. Rogan Lab, Western University
No classification provided (evidence only). Condition: Acute myeloid leukemia. Review status: no classification provided. Collection method: in vitro. Allele origin: not applicable. Functional consequence: skipped exon, retained intron. Not counted in ClinVar's aggregate classification.

Dr. Peter K. Rogan Lab, Western University
No classification provided (evidence only). Condition: Colorectal cancer. Review status: no classification provided. Collection method: in vitro. Allele origin: not applicable. Functional consequence: retained intron. Not counted in ClinVar's aggregate classification.

Dr. Peter K. Rogan Lab, Western University
No classification provided (evidence only). Condition: Colorectal cancer. Review status: no classification provided. Collection method: in vitro. Allele origin: not applicable. Functional consequence: retained intron. Not counted in ClinVar's aggregate classification.

Dr. Peter K. Rogan Lab, Western University
No classification provided (evidence only). Condition: Uterine corpus endometrial carcinoma. Review status: no classification provided. Collection method: in vitro. Allele origin: not applicable. Functional consequence: skipped exon. Not counted in ClinVar's aggregate classification.

Dr. Peter K. Rogan Lab, Western University
No classification provided (evidence only). Condition: Uterine corpus endometrial carcinoma. Review status: no classification provided. Collection method: in vitro. Allele origin: not applicable. Functional consequence: skipped exon. Not counted in ClinVar's aggregate classification.

Dr. Peter K. Rogan Lab, Western University
No classification provided (evidence only). Condition: Malignant lymphoma, large B-cell, diffuse. Review status: no classification provided. Collection method: in vitro. Allele origin: not applicable. Functional consequence: skipped exon. Not counted in ClinVar's aggregate classification.

Dr. Peter K. Rogan Lab, Western University
No classification provided (evidence only). Condition: Thymoma. Review status: no classification provided. Collection method: in vitro. Allele origin: not applicable. Functional consequence: skipped exon, retained intron. Not counted in ClinVar's aggregate classification.

Dr. Peter K. Rogan Lab, Western University
No classification provided (evidence only). Condition: Thymoma. Review status: no classification provided. Collection method: in vitro. Allele origin: not applicable. Functional consequence: skipped exon, retained intron. Not counted in ClinVar's aggregate classification.

Dr. Peter K. Rogan Lab, Western University
No classification provided (evidence only). Condition: Cholangiocarcinoma. Review status: no classification provided. Collection method: in vitro. Allele origin: not applicable. Functional consequence: skipped exon. Not counted in ClinVar's aggregate classification.

Dr. Peter K. Rogan Lab, Western University
No classification provided (evidence only). Condition: Cholangiocarcinoma. Review status: no classification provided. Collection method: in vitro. Allele origin: not applicable. Functional consequence: skipped exon, retained intron. Not counted in ClinVar's aggregate classification.

Dr. Peter K. Rogan Lab, Western University
No classification provided (evidence only). Condition: Cholangiocarcinoma. Review status: no classification provided. Collection method: in vitro. Allele origin: not applicable. Functional consequence: skipped exon, retained intron. Not counted in ClinVar's aggregate classification.

Dr. Peter K. Rogan Lab, Western University
No classification provided (evidence only). Condition: Cholangiocarcinoma. Review status: no classification provided. Collection method: in vitro. Allele origin: not applicable. Functional consequence: retained intron. Not counted in ClinVar's aggregate classification.

Dr. Peter K. Rogan Lab, Western University
No classification provided (evidence only). Condition: Adrenocortical carcinoma, hereditary. Review status: no classification provided. Collection method: in vitro. Allele origin: not applicable. Functional consequence: skipped exon. Not counted in ClinVar's aggregate classification.

Dr. Peter K. Rogan Lab, Western University
No classification provided (evidence only). Condition: Uterine carcinosarcoma. Review status: no classification provided. Collection method: in vitro. Allele origin: not applicable. Functional consequence: skipped exon. Not counted in ClinVar's aggregate classification.

Dr. Peter K. Rogan Lab, Western University
No classification provided (evidence only). Condition: Uterine carcinosarcoma. Review status: no classification provided. Collection method: in vitro. Allele origin: not applicable. Functional consequence: skipped exon. Not counted in ClinVar's aggregate classification.

NM_198252.3(GSN):c.1260C>T (p.Gly420=)

Gene: GSN (gelsolin; plus strand). Cytogenetic location: 9q33.2.
Variant type: single nucleotide variant.
Coding change: c.1260C>T on transcript NM_198252.3 (MANE Select); coding-DNA position 1260, C replaced by T.
Protein change: p.Gly420=; no amino-acid change (glycine 420 retained).
Molecular consequence: synonymous variant.
Genome position (GRCh38, 1-based): chr9:121,321,336, C>T. VCF-style: chr9-121321336-C-T. GRCh37 (hg19) VCF-style: chr9-124083614-C-T.
Other names: p.Gly471=; c.1413C>T, p.Gly471= (NM_000177.5); c.1260C>T, p.Gly420= (NM_001127662.2, NM_001127664.2, NM_001127665.2 and 10 more transcripts); c.1368C>T, p.Gly456= (NM_001127663.2); c.1293C>T, p.Gly431= (NM_001127666.2, NM_001127667.2, NM_001353063.2 and 13 more transcripts); c.1311C>T, p.Gly437= (NM_001258029.2); c.1284C>T, p.Gly428= (NM_001258030.2); c.1332C>T, p.Gly444= (NM_001353076.2); and 1 more.
Identifiers: ClinVar variation 364813 (VCV000364813.21), dbSNP rs2304393, ClinGen allele CA5221200.